The following is an entry in ClinVar:

NM_000355.4(TCN2):c.38del (p.Val13fs)

Genes: TCN2 (transcobalamin 2; plus strand), LOC121853040 (Sharpr-MPRA regulatory region 10016; plus strand). Cytogenetic location: 22q12.2.
Variant type: Deletion.
Coding change: c.38del on transcript NM_000355.4 (MANE Select); coding-DNA position 38, one base deleted (T; older notation c.38delT).
Protein change: p.Val13fs; shifts the reading frame from valine 13.
Molecular consequence: frameshift variant.
Genome position (GRCh38, 1-based): chr22:30,607,369, T deleted. VCF-style (leftmost placement, unchanged base first): chr22-30607368-GT-G. GRCh37 (hg19) VCF-style: chr22-31003355-GT-G.
Other names: c.38del, p.Val13fs (NM_001184726.2); short protein forms V13fs.
Identifiers: ClinVar variation 2796652 (VCV002796652.4), dbSNP rs757114327, ClinGen allele CA10184434.

ClinVar aggregate classification (germline): Pathogenic/Likely pathogenic. Review status: criteria provided, multiple submitters, no conflicts (2 of 4 stars). 2 submissions from 2 submitters: Pathogenic (1); Likely pathogenic (1). Last evaluated 2024-01-12.

Conditions:
Transcobalamin II deficiency (TCN2D). Also called: TC II DEFICIENCY; TCN2 DEFICIENCY; Transcolabamin II deficiency. Identifiers: Orphanet 859, MedGen C0342701, MONDO:0010149, OMIM 275350.

Allele frequency attached by ClinVar (database versions not stated): gnomAD exomes below 0.00001; ExAC 0.00001; TOPMed 0.00002.

Submissions (2):

Fulgent Genetics
Classification: Likely pathogenic for Transcobalamin II deficiency. Last evaluated: 2024-01-12. Review status: criteria provided, single submitter. Criteria: ACMG Guidelines, 2015. Collection method: clinical testing. Allele origin: germline.

Labcorp Genetics (formerly Invitae), Labcorp
Classification: Pathogenic for Transcobalamin II deficiency. Last evaluated: 2023-11-06. Review status: criteria provided, single submitter. Criteria: Invitae Variant Classification Sherloc (09022015). Collection method: clinical testing. Allele origin: germline.
Comment: This sequence change creates a premature translational stop signal (p.Val13Alafs*19) in the TCN2 gene. It is expected to result in an absent or disrupted protein product. Loss-of-function variants in TCN2 are known to be pathogenic (PMID: 7980584, 20352340). This variant is present in population databases (rs757114327, gnomAD 0.007%). This variant has not been reported in the literature in individuals affected with TCN2-related conditions. For these reasons, this variant has been classified as Pathogenic.

Literature cited by the submitters: PubMed 7980584 (cited by Labcorp Genetics (formerly Invitae), Labcorp); PubMed 20352340 (cited by Labcorp Genetics (formerly Invitae), Labcorp).